The following is an entry in ClinVar:

NM_015450.3(POT1):c.1207G>T (p.Asp403Tyr)

Gene: POT1 (protection of telomeres 1; minus strand). Cytogenetic location: 7q31.33.
Variant type: single nucleotide variant.
Coding change: c.1207G>T on transcript NM_015450.3 (MANE Select); coding-DNA position 1207, G replaced by T.
Protein change: p.Asp403Tyr; replaces aspartic acid 403 with tyrosine.
Molecular consequence: missense variant. On other transcripts: non-coding transcript variant (3).
Genome position (GRCh38, 1-based): chr7:124,841,135, C>A on the plus strand (G>T on the coding strand, the complement: POT1 is on the minus strand). VCF-style: chr7-124841135-C-A. GRCh37 (hg19) VCF-style: chr7-124481189-C-A.
Other names: c.814G>T, p.Asp272Tyr (NM_001042594.2); short protein forms D272Y, D403Y.
Identifiers: ClinVar variation 3703560 (VCV003703560.2).

ClinVar aggregate classification (germline): Uncertain significance (1 of 4 stars; one submission).

Conditions:
Tumor predisposition syndrome 3 (TPDS3). Also called: Glioma susceptibility 9; LONG TELOMERE SYNDROME, POT1-RELATED; POT1 Tumor Predisposition; Melanoma, cutaneous malignant, susceptibility to, 10. Identifiers: Orphanet 618, MedGen C4014476, MONDO:0014368, OMIM 615848.

Submission:

Labcorp Genetics (formerly Invitae), Labcorp
Classification: Uncertain significance for Tumor predisposition syndrome 3. Last evaluated: 2024-12-02. Review status: criteria provided, single submitter. Criteria: Invitae Variant Classification Sherloc (09022015). Collection method: clinical testing. Allele origin: germline.
Comment: This sequence change replaces aspartic acid, which is acidic and polar, with tyrosine, which is neutral and polar, at codon 403 of the POT1 protein (p.Asp403Tyr). This variant is not present in population databases (gnomAD no frequency). This variant has not been reported in the literature in individuals affected with POT1-related conditions. Invitae Evidence Modeling of protein sequence and biophysical properties (such as structural, functional, and spatial information, amino acid conservation, physicochemical variation, residue mobility, and thermodynamic stability) indicates that this missense variant is not expected to disrupt POT1 protein function with a negative predictive value of 80%. In summary, the available evidence is currently insufficient to determine the role of this variant in disease. Therefore, it has been classified as a Variant of Uncertain Significance.